The following is an entry in ClinVar:

NM_000059.4(BRCA2):c.3848T>G (p.Val1283Gly)

Gene: BRCA2 (BRCA2 DNA repair associated; plus strand). Cytogenetic location: 13q13.1.
Variant type: single nucleotide variant.
Coding change: c.3848T>G on transcript NM_000059.4 (MANE Select); coding-DNA position 3848, T replaced by G.
Protein change: p.Val1283Gly; replaces valine 1283 with glycine.
Molecular consequence: missense variant.
Genome position (GRCh38, 1-based): chr13:32,338,203, T>G. VCF-style: chr13-32338203-T-G. GRCh37 (hg19) VCF-style: chr13-32912340-T-G.
Other names: short protein forms V1283G.
Identifiers: ClinVar variation 51540 (VCV000051540.4), dbSNP rs80358628, ClinGen allele CA018950.

ClinVar aggregate classification (germline): Likely benign. Review status: criteria provided, single submitter (1 of 4 stars). 2 submissions from 2 submitters: Likely benign (1). 1 of the submissions does not count toward it. Last evaluated 2023-03-23.

Conditions:
Hereditary cancer-predisposing syndrome. Also called: Neoplastic Syndromes, Hereditary; Tumor predisposition; Hereditary Cancer Syndrome; Hereditary neoplastic syndrome. Identifiers: Orphanet 140162, MedGen C0027672, MeSH D009386, MONDO:0015356.
Breast-ovarian cancer, familial, susceptibility to, 2 (BROVCA2). Also called: BRCA2 Hereditary Breast and Ovarian Cancer. Identifiers: Orphanet 145, MedGen C2675520, MONDO:0012933, OMIM 612555. Disease mechanism: loss of function.

Submissions (2):

University of Washington Department of Laboratory Medicine, University of Washington
Classification: Likely benign for Hereditary cancer-predisposing syndrome. Last evaluated: 2023-03-23. Review status: criteria provided, single submitter. Criteria: Dines et al. (Genet Med. 2020). Collection method: curation. Allele origin: germline.
Comment: Missense variant in a coldspot region where missense variants are very unlikely to be pathogenic (PMID:31911673).

BRCA2 exon 11 coldspot. Reclassification based on statistical prior probability.

Breast Cancer Information Core (BIC) (BRCA2)
Classification: Uncertain significance for Breast-ovarian cancer, familial 2. Review status: no assertion criteria provided. Collection method: clinical testing. Allele origin: germline. Affected: yes. Observed: 1 variant allele. Not counted in ClinVar's aggregate classification.